The following is an entry in ClinVar:

NM_000260.4(MYO7A):c.1165G>T (p.Glu389Ter)

Gene: MYO7A (myosin VIIA; plus strand). Cytogenetic location: 11q13.5.
Variant type: single nucleotide variant.
Coding change: c.1165G>T on transcript NM_000260.4 (MANE Select); coding-DNA position 1165, G replaced by T.
Protein change: p.Glu389Ter; replaces glutamic acid 389 with a stop codon.
Molecular consequence: nonsense.
Genome position (GRCh38, 1-based): chr11:77,160,247, G>T. VCF-style: chr11-77160247-G-T. GRCh37 (hg19) VCF-style: chr11-76871293-G-T.
Other names: c.1165G>T, p.Glu389Ter (NM_001127180.2); c.1132G>T, p.Glu378Ter (NM_001369365.1); short protein forms E378*, E389*.
Identifiers: ClinVar variation 3601448 (VCV003601448.1).
Genomic context (GRCh38, chr11:77,160,247, plus strand): 5'-TGCCTGACTAGCCGCACCCTCATCACCCGCGGGGAGACGGTGTCCACCCCACTGAGCAGG[G>T]AACAGGCACTGGACGTGCGCGACGCCTTCGTAAAGGTGGGCTGGAGGGAAGGGGCCGCTT-3'

ClinVar aggregate classification (germline): Likely pathogenic (1 of 4 stars; one submission).

Conditions:
Autosomal recessive nonsyndromic hearing loss 2. Also called: NEUROSENSORY NONSYNDROMIC RECESSIVE DEAFNESS 2; DEAFNESS, AUTOSOMAL RECESSIVE 2. Identifiers: Orphanet 90636, MedGen C1838701, MONDO:0010807, OMIM 600060.

Submission:

Institute of Rare Diseases, West China Hospital, Sichuan University
Classification: Likely pathogenic for Autosomal recessive nonsyndromic hearing loss 2. Last evaluated: 2025-01-09. Review status: criteria provided, single submitter. Criteria: ClinGen HL ACMG Specifications v1. Collection method: research. Allele origin: germline. Affected: yes.
Comment: PVS1;PM2_Supporting